The following is an entry in ClinVar:

ClinVar aggregate classification (germline): Uncertain significance. Review status: criteria provided, multiple submitters, no conflicts (2 of 4 stars). 2 submissions from 2 submitters: Uncertain significance (2). Last evaluated 2025-11-12.

Conditions:
Congenital contractural arachnodactyly (CCA). Also called: BEALS SYNDROME; Arthrogryposis, distal, type 9; Beals-Hecht syndrome. Identifiers: Orphanet 115, MedGen C0220668, MONDO:0007363, OMIM 121050.
Familial thoracic aortic aneurysm and aortic dissection (TAAD). Also called: Thoracic aortic aneurysms and dissections. Identifiers: Orphanet 91387, MedGen C4707243, MONDO:0019625.

Allele frequency attached by ClinVar (database versions not stated): gnomAD exomes below 0.00001 and 0.00001; ExAC 0.00001; gnomAD 0.00001; TOPMed 0.00001.
gnomAD v4.1: 13 of 1,613,714 alleles (0.00081%); highest among the groups gnomAD compares: East Asian, 0.0022%; no homozygotes.

Submissions (2):

Ambry Genetics
Classification: Uncertain significance for Familial thoracic aortic aneurysm and aortic dissection. Last evaluated: 2025-11-12. Review status: criteria provided, single submitter. Criteria: Ambry Variant Classification Scheme 2023. Collection method: clinical testing. Allele origin: germline.
Comment: The p.R695C variant (also known as c.2083C>T), located in coding exon 15 of the FBN2 gene, results from a C to T substitution at nucleotide position 2083. The arginine at codon 695 is replaced by cysteine, an amino acid with highly dissimilar properties. This variant was reported in an individual with thoracic insufficiency, thoracolumbar scoliosis, astigmatism, and high myopia (Strong A et al. Sci Rep, 2023 Jan;13:991). This amino acid position is highly conserved in available vertebrate species. In addition, this alteration is predicted to be deleterious by in silico analysis. Based on the available evidence, the clinical significance of this variant remains unclear.

Labcorp Genetics (formerly Invitae), Labcorp
Classification: Uncertain significance for Congenital contractural arachnodactyly. Last evaluated: 2024-05-15. Review status: criteria provided, single submitter. Criteria: Invitae Variant Classification Sherloc (09022015). Collection method: clinical testing. Allele origin: germline.
Comment: This sequence change replaces arginine, which is basic and polar, with cysteine, which is neutral and slightly polar, at codon 695 of the FBN2 protein (p.Arg695Cys). This variant is present in population databases (rs747447916, gnomAD 0.0009%). This variant has not been reported in the literature in individuals affected with FBN2-related conditions. ClinVar contains an entry for this variant (Variation ID: 966924). Advanced modeling of protein sequence and biophysical properties (such as structural, functional, and spatial information, amino acid conservation, physicochemical variation, residue mobility, and thermodynamic stability) performed at Invitae indicates that this missense variant is expected to disrupt FBN2 protein function with a positive predictive value of 80%. In summary, the available evidence is currently insufficient to determine the role of this variant in disease. Therefore, it has been classified as a Variant of Uncertain Significance.

Literature cited by the submitters: PubMed 36653407 (cited by Ambry Genetics).

NM_001999.4(FBN2):c.2083C>T (p.Arg695Cys)

Gene: FBN2 (fibrillin 2; minus strand). Cytogenetic location: 5q23.3.
Variant type: single nucleotide variant.
Coding change: c.2083C>T on transcript NM_001999.4 (MANE Select); coding-DNA position 2083, C replaced by T.
Protein change: p.Arg695Cys; replaces arginine 695 with cysteine.
Molecular consequence: missense variant.
Genome position (GRCh38, 1-based): chr5:128,374,640, G>A on the plus strand (C>T on the coding strand, the complement: FBN2 is on the minus strand). VCF-style: chr5-128374640-G-A. GRCh37 (hg19) VCF-style: chr5-127710333-G-A.
Other names: short protein forms R695C.
Identifiers: ClinVar variation 966924 (VCV000966924.11), dbSNP rs747447916, ClinGen allele CA3395658.
Genomic context (GRCh38, chr5:128,374,640, plus strand): 5'-TCAAAGATCATTTTGCACAGTGGGGCCATTATAAAATGTTTCACTTACCAACACACACAC[G>A]TCCATCCATGCCCACAGCCAGGCCTGGGGGACAGTCACAGCGGAAGGACCCTTCACTGTT-3'
Protein context (NP_001990.2, residues 685-705): PPGLAVGMDG[Arg695Cys]VCVDTHMRST